The following is an entry in ClinVar:

ClinVar aggregate classification (germline): Benign (1 of 4 stars; one submission).

Conditions:
Pheochromocytoma/paraganglioma syndrome 5. Also called: Paragangliomas 5; SDHA-Related Hereditary Paraganglioma-Pheochromocytoma Syndrome. Identifiers: Orphanet 29072, MedGen C3279992, MONDO:0013602, OMIM 614165.

Submission:

Myriad Genetics, Inc.
Classification: Benign for Pheochromocytoma/paraganglioma syndrome 5. Last evaluated: 2025-02-28. Review status: criteria provided, single submitter. Criteria: Myriad Autosomal Dominant, Autosomal Recessive and X-Linked Classification Criteria (2023). Collection method: clinical testing. Allele origin: unknown.
Comment: This variant is considered benign. This variant is a silent/synonymous amino acid change and it is not expected to impact splicing.

NM_004168.4(SDHA):c.156T>C (p.Ser52=)

Gene: SDHA (succinate dehydrogenase complex flavoprotein subunit A; plus strand). Cytogenetic location: 5p15.33.
Variant type: single nucleotide variant.
Coding change: c.156T>C on transcript NM_004168.4 (MANE Select); coding-DNA position 156, T replaced by C.
Protein change: p.Ser52=; no amino-acid change (serine 52 retained).
Molecular consequence: synonymous variant.
Genome position (GRCh38, 1-based): chr5:224,365, T>C. VCF-style: chr5-224365-T-C. GRCh37 (hg19) VCF-style: chr5-224480-T-C.
Other names: c.156T>C, p.Ser52= (NM_001294332.2, NM_001330758.2).
Identifiers: ClinVar variation 3904445 (VCV003904445.1).
Genomic context (GRCh38, chr5:224,365, plus strand): 5'-CTTCATGTTTGGCATAGTGGAACATGTGATTGACAGGTGAATTTTTCTTTTCCAGATTTC[T>C]GCTCAGTATCCAGTAGTGGATCATGAATTTGATGCAGTGGTGGTAGGCGCTGGAGGGGCA-3'
Protein context (NP_004159.2, residues 42-62): RASAKVSDSI[Ser52=]AQYPVVDHEF